The following is an entry in ClinVar:

ClinVar aggregate classification (germline): Pathogenic. Review status: reviewed by expert panel (3 of 4 stars). 17 submissions from 17 submitters: Pathogenic (1). 16 of the submissions do not count toward it. Last evaluated 2026-02-17.

Conditions:
ANO5-related disorder. Also called: ANO5-related condition; ANO5-related disorders. Identifiers: MedGen CN239193.
Autosomal recessive limb-girdle muscular dystrophy type 2L (LGMDR12). Also called: Limb-girdle muscular dystrophy, type 2L; Limb-Girdle Muscular Dystrophy R12 Anoctamin-5-Related (LGMD-R12); MUSCULAR DYSTROPHY, LIMB-GIRDLE, AUTOSOMAL RECESSIVE 12. Identifiers: Orphanet 206549, MedGen C1969785, MONDO:0012652, OMIM 611307.
Gnathodiaphyseal dysplasia (GDD). Also called: OSTEOGENESIS IMPERFECTA WITH UNUSUAL SKELETAL LESIONS; GNATHODIAPHYSEAL SCLEROSIS. Identifiers: Orphanet 53697, MedGen C1833736, MONDO:0008151, OMIM 166260.
Miyoshi muscular dystrophy 3 (MMD3). Also called: Miyoshi myopathy 3; Miyoshi Muscular Dystrophy 3 (MMD3). Identifiers: Orphanet 399096, MedGen C2750076, MONDO:0013222, OMIM 613319.
Autosomal recessive limb-girdle muscular dystrophy. Identifiers: Orphanet 102015, MedGen C2931907, MONDO:0015152.
Abnormality of the musculature. Identifiers: MedGen C4021745, HP:0003011.

Allele frequency attached by ClinVar (database versions not stated): TOPMed 0.00007; gnomAD 0.00010 and 0.00011; ESP Exome Variant Server 0.00015; 1000 Genomes Project 30x 0.00016; 1000 Genomes Project 0.00020; gnomAD exomes 0.00020 and 0.00023; ExAC 0.00026.
gnomAD v4.1: 353 of 1,613,984 alleles (0.022%); highest among the groups gnomAD compares: South Asian, 0.08%; no homozygotes.

Submissions 1 to 10 of 17:

ClinGen Limb Girdle Muscular Dystrophy Variant Curation Expert Panel, ClinGen
Classification: Pathogenic for Autosomal recessive limb-girdle muscular dystrophy. Last evaluated: 2026-02-17. Review status: reviewed by expert panel. Criteria: ClinGen LGMD VCEP ACMG Specifications ANO5 V2.0.0. Collection method: curation. Allele origin: germline. Inheritance: Autosomal recessive inheritance.
Comment: The NM_213599.3: c.1733T>C variant in ANO5 is a missense variant predicted to cause a substitution of phenylalanine by serine at amino acid 578, p.(Phe578Ser). Among a selection of the available literature, this variant has been reported in at least 16 unrelated individuals with features consistent with LGMD or anoctaminopathy (PMID: 21186264, 22742934, 23041008, 23663589, 23670307, 25891276, 28187523, 30919934, 31069529, 31517061, 32978841, 34687219, 35563815, 37526466, 31069529, 38374194). In two unrelated patients without reported familial consanguinity, the variant was observed in a homozygous state (1.0 pt; PMID: 31069529, 38374194). Three patients were reported as compound heterozygous with the pathogenic variant c.191dup p.(Asn64LysfsTer15) confirmed in trans (1.0 pt x3 = 3.0 pts, PMID: 21186264, 23670307, 25891276), and two patients had the c.191dup variant in unknown phase (0.5 pt x2 = 1.0 pt, PMID: 32978841, 34687219). One patient was reported as compound heterozygous with the pathogenic variant c.1898+1G>A (1.0 pt, PMID: 28187523) (PM3_Very Strong). This variant has also been shown to co-segregate with autosomal recessive LGMD in at least two family members from one family (PMID: 25891276; PP1), and at least one patient with this variant and a second presumed diagnostic ANO5 allele displayed a progressive limb girdle pattern of muscle weakness (PMID: 21186264, 25891276, 31069529, 38374194; PP4). The highest population minor allele frequency for this variant is 0.000816 in gnomAD v4.1.10 (73/91068 South Asian chromosomes), which is higher than the VCEP threshold for PM2_Supporting (0.0001) (PM2_Supporting not met). The REVEL score is 0.75, which is above the LGMD VCEP threshold of ≥0.70, evidence that correlates with impact to ANO5 function (PP3). In summary, this variant meets the criteria to be classified as Pathogenic for autosomal recessive limb-girdle muscular dystrophy based on the ACMG/AMP criteria applied, as specified by the ClinGen LGMD VCEP (LGMD VCEP specifications version 2.0.0; 02/17/2026): PM3_Very Strong, PP4, PP1, PP3.

GeneDx
Classification: Likely pathogenic. Last evaluated: 2026-08-15. Review status: criteria provided, single submitter. Criteria: GeneDx Variant Classification Process June 2021. Collection method: clinical testing. Allele origin: germline. Not counted in ClinVar's aggregate classification.
Comment: In silico analysis supports that this missense variant has a deleterious effect on protein structure/function; This variant is associated with the following publications: (PMID: 23891399, 23041008, 21186264, 25891276, 23670307, 30919934, 31517061, 34426522, 31589614, 31069529, 23606453, 25046369, 26838040, 28888072, 35563815, 38374194, 35628876, 23663589, 32819793, 37526466, 22742934, 39678382, 30564623, 32906206, 24252905, 32978841)

OLLIN Analises Genomicas, OLLIN
Classification: Pathogenic for Autosomal recessive limb-girdle muscular dystrophy type 2L. Last evaluated: 2026-02-13. Review status: criteria provided, single submitter. Criteria: ACMG Guidelines 2015 PMID 25741868. Collection method: clinical testing. Allele origin: germline. Observed: 1 variant allele. Not counted in ClinVar's aggregate classification.
Comment: PM3_VS, PP1, PP3_M, PP4

Labcorp Genetics (formerly Invitae), Labcorp
Classification: Pathogenic for Autosomal recessive limb-girdle muscular dystrophy type 2L; Gnathodiaphyseal dysplasia. Last evaluated: 2026-01-07. Review status: criteria provided, single submitter. Criteria: Invitae Variant Classification Sherloc (09022015). Collection method: clinical testing. Allele origin: germline. Not counted in ClinVar's aggregate classification.
Comment: This sequence change replaces phenylalanine, which is neutral and non-polar, with serine, which is neutral and polar, at codon 578 of the ANO5 protein (p.Phe578Ser). This variant is present in population databases (rs137854526, gnomAD 0.1%). This missense change has been observed in individual(s) with autosomal recessive ANO5-related conditions (PMID: 21186264, 23041008, 23663589, 23670307, 25891276). In at least one individual the data is consistent with being in trans (on the opposite chromosome) from a pathogenic variant. It has also been observed to segregate with disease in related individuals. ClinVar contains an entry for this variant (Variation ID: 140553). Invitae Evidence Modeling of protein sequence and biophysical properties (such as structural, functional, and spatial information, amino acid conservation, physicochemical variation, residue mobility, and thermodynamic stability) indicates that this missense variant is expected to disrupt ANO5 protein function with a positive predictive value of 95%. For these reasons, this variant has been classified as Pathogenic.

PreventionGenetics, part of Exact Sciences
Classification: Pathogenic for ANO5-related condition. Last evaluated: 2025-04-29. Review status: criteria provided, single submitter. Criteria: ACMG Guidelines, 2015. Collection method: clinical testing. Allele origin: germline. Not counted in ClinVar's aggregate classification.
Comment: The ANO5 c.1733T>C variant is predicted to result in the amino acid substitution p.Phe578Ser. This variant has been reported to be causative for autosomal recessive limb-girdle muscular dystrophy type 2L (LGMD2L) in several unrelated individuals (Hicks et al. 2011. PubMed ID: 21186264; Savarese et al. 2015. PubMed ID: 25891276; Supp. Table 1, Ten Dam et al. 2019. PubMed ID: 30919934). This variant is reported in 0.098% of alleles in individuals of South Asian descent in gnomAD. This variant is interpreted as pathogenic for autosomal recessive ANO5-related disorders.

Revvity Omics, Revvity
Classification: Pathogenic. Last evaluated: 2025-02-06. Review status: criteria provided, single submitter. Criteria: ACMG Guidelines, 2015. Collection method: clinical testing. Allele origin: germline. Not counted in ClinVar's aggregate classification.

Blueprint Genetics
Classification: Pathogenic for ANO5-related disorders. Last evaluated: 2024-11-14. Review status: criteria provided, single submitter. Criteria: ACMG Guidelines, 2015. Collection method: clinical testing. Allele origin: germline. Affected: yes. Observed: 5 variant alleles. Not counted in ClinVar's aggregate classification.

Fulgent Genetics
Classification: Likely pathogenic for Gnathodiaphyseal dysplasia; Autosomal recessive limb-girdle muscular dystrophy type 2L; Miyoshi muscular dystrophy 3. Last evaluated: 2024-05-07. Review status: criteria provided, single submitter. Criteria: ACMG Guidelines, 2015. Collection method: clinical testing. Allele origin: germline. Not counted in ClinVar's aggregate classification.

Neuberg Centre For Genomic Medicine, NCGM
Classification: Likely pathogenic for Autosomal recessive limb-girdle muscular dystrophy type 2L. Last evaluated: 2023-06-22. Review status: criteria provided, single submitter. Criteria: ACMG Guidelines, 2015. Collection method: clinical testing. Allele origin: germline. Inheritance: Autosomal recessive inheritance. Affected: yes. Not counted in ClinVar's aggregate classification.
Comment: The missense variant c.1733T>C (p.Phe578Ser) in the ANO5 gene has been reported previously in heterozygous and compound heterozygous states in many individuals affected with limb-girdle muscular dystrophy (Hicks et al., 2011; Savarese et al., 2015). This variant is reported with the allele frequency (0.01%) in the gnomAD Exomes. It is submitted to ClinVar as Pathogenic/ Likely pathogenic/ Uncertain significance. However, functional evidence on its pathogenicity is not available. The amino acid Phe at position 578 is changed to a Ser changing protein sequence and it might alter its composition and physico-chemical properties. Multiple lines of computational evidence (Polyphen - Damaging, SIFT - Damaging and MutationTaster - Disease causing) predict a damaging effect on protein structure and function for this variant. The amino acid change p.Phe578Ser in ANO5 is predicted as conserved by GERP++ and PhyloP across 100 vertebrates. For these reasons, this variant has been classified as Likely Pathogenic. In the absence of another reportable variant, the molecular diagnosis is not confirmed.

Institute of Medical Genetics and Applied Genomics, University Hospital Tübingen
Classification: Pathogenic for Miyoshi muscular dystrophy 3. Last evaluated: 2022-12-07. Review status: criteria provided, single submitter. Criteria: ACMG Guidelines, 2015. Collection method: clinical testing. Allele origin: germline. Inheritance: Autosomal recessive inheritance. Affected: yes. Not counted in ClinVar's aggregate classification.

NM_213599.3(ANO5):c.1733T>C (p.Phe578Ser)

Gene: ANO5 (anoctamin 5; plus strand). Cytogenetic location: 11p14.3.
Variant type: single nucleotide variant.
Coding change: c.1733T>C on transcript NM_213599.3 (MANE Select); coding-DNA position 1733, T replaced by C.
Protein change: p.Phe578Ser; replaces phenylalanine 578 with serine.
Molecular consequence: missense variant.
Genome position (GRCh38, 1-based): chr11:22,262,231, T>C. VCF-style: chr11-22262231-T-C. GRCh37 (hg19) VCF-style: chr11-22283777-T-C.
Other names: NM_213599.3(ANO5):c.1733T>C; p.Phe578Ser; c.1730T>C, p.Phe577Ser (NM_001142649.2); short protein forms F578S, F577S.
Identifiers: ClinVar variation 140553 (VCV000140553.51), dbSNP rs137854526, ClinGen allele CA232785.